The following is an entry in ClinVar:

NM_004370.6(COL12A1):c.2983+2T>G

Gene: COL12A1 (collagen type XII alpha 1 chain; minus strand). Cytogenetic location: 6q13.
Variant type: single nucleotide variant.
Coding change: c.2983+2T>G on transcript NM_004370.6 (MANE Select); the canonical splice donor site of the intron after coding-DNA position 2983, T replaced by G.
Molecular consequence: splice donor variant. On other transcripts: intron variant (2).
Genome position (GRCh38, 1-based): chr6:75,165,505, A>C on the plus strand (T>G on the coding strand, the complement: COL12A1 is on the minus strand). VCF-style: chr6-75165505-A-C. GRCh37 (hg19) VCF-style: chr6-75875221-A-C.
Other names: c.74-13023T>G (NM_001424116.1, NM_080645.3); c.2710+2T>G (NM_001424115.1); c.2983+2T>G (NM_001424114.1, NM_001424113.1).
Identifiers: ClinVar variation 2922169 (VCV002922169.3), dbSNP rs2533469008, ClinGen allele CA364757186.

ClinVar aggregate classification (germline): Uncertain significance (1 of 4 stars; one submission).

Conditions:
Ullrich congenital muscular dystrophy 2 (UCMD2). Identifiers: Orphanet 75840, MedGen C4225314, MONDO:0014654, OMIM 616470.
Bethlem myopathy 2 (BTHLM2). Identifiers: Orphanet 536516, Orphanet 610, MedGen C4225313, MONDO:0034022, OMIM 616471.

Submission:

Labcorp Genetics (formerly Invitae), Labcorp
Classification: Uncertain significance for Bethlem myopathy 2; Ullrich congenital muscular dystrophy 2. Last evaluated: 2024-01-12. Review status: criteria provided, single submitter. Criteria: Invitae Variant Classification Sherloc (09022015). Collection method: clinical testing. Allele origin: germline.
Comment: This sequence change affects a donor splice site in intron 14 of the COL12A1 gene. Multiple COL12A1 isoforms have been reported, and the functional impact of this variant is uncertain (PMID: 8601036). This variant is not present in population databases (gnomAD no frequency). This variant has not been reported in the literature in individuals affected with COL12A1-related conditions. Variants that disrupt the consensus splice site are a relatively common cause of aberrant splicing (PMID: 17576681, 9536098). Algorithms developed to predict the effect of sequence changes on RNA splicing suggest that this variant may disrupt the consensus splice site. In summary, the available evidence is currently insufficient to determine the role of this variant in disease. Therefore, it has been classified as a Variant of Uncertain Significance.

Literature cited by the submitters: PubMed 8601036; PubMed 17576681; PubMed 9536098.